The following is an entry in ClinVar:

NM_024747.6(HPS6):c.1160G>A (p.Gly387Asp)

Gene: HPS6 (HPS6 biogenesis of lysosomal organelles complex 2 subunit 3; plus strand). Cytogenetic location: 10q24.32.
Variant type: single nucleotide variant.
Coding change: c.1160G>A on transcript NM_024747.6 (MANE Select); coding-DNA position 1160, G replaced by A.
Protein change: p.Gly387Asp; replaces glycine 387 with aspartic acid.
Molecular consequence: missense variant.
Genome position (GRCh38, 1-based): chr10:102,066,634, G>A. VCF-style: chr10-102066634-G-A. GRCh37 (hg19) VCF-style: chr10-103826391-G-A.
Other names: short protein forms G387D.
Identifiers: ClinVar variation 1437288 (VCV001437288.5), dbSNP rs2136334548, ClinGen allele CA377865194.
Genomic context (GRCh38, chr10:102,066,634, plus strand): 5'-AAGAGCTGGAGACCCGAGGGAATCTTCGTCTGCTTTCAGCCTTGGGTCTGTTTTGTGTGG[G>A]CTGGGAAGCCCCACAGGGTGTTGAGTTGCCTTCAGCCAAGGATCTGGTGTTTGAGGAGGC-3'
Protein context (NP_079023.2, residues 377-397): LLSALGLFCV[Gly387Asp]WEAPQGVELP

ClinVar aggregate classification (germline): Uncertain significance (1 of 4 stars; one submission).

Submission:

Labcorp Genetics (formerly Invitae), Labcorp
Classification: Uncertain significance. Last evaluated: 2022-07-06. Review status: criteria provided, single submitter. Criteria: Invitae Variant Classification Sherloc (09022015). Collection method: clinical testing. Allele origin: germline.
Comment: This sequence change replaces glycine, which is neutral and non-polar, with aspartic acid, which is acidic and polar, at codon 387 of the HPS6 protein (p.Gly387Asp). This variant is not present in population databases (gnomAD no frequency). This variant has not been reported in the literature in individuals affected with HPS6-related conditions. ClinVar contains an entry for this variant (Variation ID: 1437288). Algorithms developed to predict the effect of missense changes on protein structure and function (SIFT, PolyPhen-2, Align-GVGD) all suggest that this variant is likely to be tolerated. In summary, the available evidence is currently insufficient to determine the role of this variant in disease. Therefore, it has been classified as a Variant of Uncertain Significance.